The following is an entry in ClinVar:

NM_000232.5(SGCB):c.34-1G>A

Gene: SGCB (sarcoglycan beta; minus strand). Cytogenetic location: 4q12.
Variant type: single nucleotide variant.
Coding change: c.34-1G>A on transcript NM_000232.5 (MANE Select); the canonical splice acceptor site of the intron before coding-DNA position 34, G replaced by A.
Molecular consequence: splice acceptor variant.
Genome position (GRCh38, 1-based): chr4:52,033,641, C>T on the plus strand (G>A on the coding strand, the complement: SGCB is on the minus strand). VCF-style: chr4-52033641-C-T. GRCh37 (hg19) VCF-style: chr4-52899807-C-T.
Other names: c.34-1G>A (NM_000232.4).
Identifiers: ClinVar variation 1180817 (VCV001180817.13), dbSNP rs1484409119, ClinGen allele CA356878238.

ClinVar aggregate classification (germline): Pathogenic/Likely pathogenic. Review status: criteria provided, multiple submitters, no conflicts (2 of 4 stars). 3 submissions from 3 submitters: Pathogenic (2); Likely pathogenic (1). Last evaluated 2024-03-28.

Conditions:
Autosomal recessive limb-girdle muscular dystrophy type 2E (LGMDR4). Also called: MUSCULAR DYSTROPHY, LIMB-GIRDLE, AUTOSOMAL RECESSIVE 4. Identifiers: Orphanet 119, MedGen C1858593, MONDO:0011423, OMIM 604286. Disease mechanism: Affects gamma-sarcoglycan and also disrupts the integrity of the entire sarcoglycan complex..
Abnormality of the musculature. Identifiers: MedGen C4021745, HP:0003011.

Allele frequency attached by ClinVar (database versions not stated): gnomAD exomes below 0.00001 and 0.00001.
gnomAD v4.1: 7 of 1,611,026 alleles (0.00043%); highest among the groups gnomAD compares: Non-Finnish European, 0.00051%; no homozygotes.

Submissions (3):

Revvity Omics, Revvity
Classification: Pathogenic for Autosomal recessive limb-girdle muscular dystrophy type 2E. Last evaluated: 2024-03-28. Review status: criteria provided, single submitter. Criteria: ACMG Guidelines, 2015. Collection method: clinical testing. Allele origin: germline.

Labcorp Genetics (formerly Invitae), Labcorp
Classification: Pathogenic for Autosomal recessive limb-girdle muscular dystrophy type 2E. Last evaluated: 2023-10-18. Review status: criteria provided, single submitter. Criteria: Invitae Variant Classification Sherloc (09022015). Collection method: clinical testing. Allele origin: germline.
Comment: This sequence change affects an acceptor splice site in intron 1 of the SGCB gene. It is expected to disrupt RNA splicing. Variants that disrupt the donor or acceptor splice site typically lead to a loss of protein function (PMID: 16199547), and loss-of-function variants in SGCB are known to be pathogenic (PMID: 15938573, 18285821). This variant is present in population databases (no rsID available, gnomAD 0.005%). Disruption of this splice site has been observed in individuals with SGCB-related conditions (PMID: 27234031, 28687063). ClinVar contains an entry for this variant (Variation ID: 1180817). Algorithms developed to predict the effect of sequence changes on RNA splicing suggest that this variant may disrupt the consensus splice site. For these reasons, this variant has been classified as Pathogenic.

Kariminejad - Najmabadi Pathology & Genetics Center
Classification: Likely pathogenic for Abnormality of the musculature. Last evaluated: 2021-07-10. Review status: criteria provided, single submitter. Criteria: ACMG Guidelines, 2015. Collection method: clinical testing. Allele origin: germline. Affected: yes.

Literature cited by the submitters: PubMed 16199547 (cited by Labcorp Genetics (formerly Invitae), Labcorp); PubMed 15938573 (cited by Labcorp Genetics (formerly Invitae), Labcorp); PubMed 18285821 (cited by Labcorp Genetics (formerly Invitae), Labcorp); PubMed 27234031 (cited by Labcorp Genetics (formerly Invitae), Labcorp); PubMed 28687063 (cited by Labcorp Genetics (formerly Invitae), Labcorp).